The following is an entry in ClinVar:

ClinVar aggregate classification (germline): Uncertain significance. Review status: criteria provided, multiple submitters, no conflicts (2 of 4 stars). 3 submissions from 3 submitters: Uncertain significance (3). Last evaluated 2025-06-03.

Conditions:
Hypotonia, infantile, with psychomotor retardation and characteristic facies 2 (IHPRF2). Also called: UNC80 Deficiency. Identifiers: Orphanet 371364, Orphanet 700333, MedGen C4225203, MONDO:0014777, OMIM 616801.
Inborn genetic diseases. Identifiers: MedGen C0950123, MeSH D030342.

Allele frequency attached by ClinVar (database versions not stated): gnomAD exomes below 0.00001 and 0.00002; gnomAD 0.00004; TOPMed 0.00004.

Submissions (3):

Ambry Genetics
Classification: Uncertain significance for Inborn genetic diseases. Last evaluated: 2025-06-03. Review status: criteria provided, single submitter. Criteria: Ambry Variant Classification Scheme 2023. Collection method: clinical testing. Allele origin: germline.

Labcorp Genetics (formerly Invitae), Labcorp
Classification: Uncertain significance. Last evaluated: 2025-01-06. Review status: criteria provided, single submitter. Criteria: Invitae Variant Classification Sherloc (09022015). Collection method: clinical testing. Allele origin: germline.
Comment: This sequence change replaces threonine, which is neutral and polar, with alanine, which is neutral and non-polar, at codon 1888 of the UNC80 protein (p.Thr1888Ala). This variant is present in population databases (no rsID available, gnomAD 0.01%). This variant has not been reported in the literature in individuals affected with UNC80-related conditions. ClinVar contains an entry for this variant (Variation ID: 1032286). Invitae Evidence Modeling of protein sequence and biophysical properties (such as structural, functional, and spatial information, amino acid conservation, physicochemical variation, residue mobility, and thermodynamic stability) indicates that this missense variant is not expected to disrupt UNC80 protein function with a negative predictive value of 80%. In summary, the available evidence is currently insufficient to determine the role of this variant in disease. Therefore, it has been classified as a Variant of Uncertain Significance.

Baylor Genetics
Classification: Uncertain significance for Hypotonia, infantile, with psychomotor retardation and characteristic facies 2. Last evaluated: 2018-08-07. Review status: criteria provided, single submitter. Criteria: ACMG Guidelines, 2015. Collection method: clinical testing. Allele origin: maternal. Affected: yes.
Comment: This variant was determined to be of uncertain significance according to ACMG Guidelines, 2015 [PMID:25741868].

NM_001371986.1(UNC80):c.5860A>G (p.Thr1954Ala)

Gene: UNC80 (unc-80 subunit of NALCN channel complex; plus strand). Cytogenetic location: 2q34.
Variant type: single nucleotide variant.
Coding change: c.5860A>G on transcript NM_001371986.1 (MANE Select); coding-DNA position 5860, A replaced by G.
Protein change: p.Thr1954Ala; replaces threonine 1954 with alanine.
Molecular consequence: missense variant.
Genome position (GRCh38, 1-based): chr2:209,929,924, A>G. VCF-style: chr2-209929924-A-G. GRCh37 (hg19) VCF-style: chr2-210794648-A-G.
Other names: c.5662A>G, p.Thr1888Ala (NM_032504.2); c.5647A>G, p.Thr1883Ala (NM_182587.4); short protein forms T1883A, T1888A, T1954A.
Identifiers: ClinVar variation 1032286 (VCV001032286.5), dbSNP rs979654081, ClinGen allele CA65041399.